The following is an entry in ClinVar:

NM_198506.5(LRIT3):c.1442C>T (p.Thr481Met)

Gene: LRIT3 (leucine rich repeat, Ig-like and transmembrane domains 3; plus strand). Cytogenetic location: 4q25.
Variant type: single nucleotide variant.
Coding change: c.1442C>T on transcript NM_198506.5 (MANE Select); coding-DNA position 1442, C replaced by T.
Protein change: p.Thr481Met; replaces threonine 481 with methionine.
Molecular consequence: missense variant.
Genome position (GRCh38, 1-based): chr4:109,870,191, C>T. VCF-style: chr4-109870191-C-T. GRCh37 (hg19) VCF-style: chr4-110791347-C-T.
Other names: short protein forms T481M.
Identifiers: ClinVar variation 497895 (VCV000497895.19), dbSNP rs116570736, ClinGen allele CA3043185.
Genomic context (GRCh38, chr4:109,870,191, plus strand): 5'-TTCCTCCAGCCAGCACAAGTAAGAAAGAAGAGCTGGCATTGTTGGATCAAACAATGCTTA[C>T]GGAGACAAATGCCGCAATAGAAAACCTCAGGGTGGTCAGTGAGACTAAAGAGAGTGTGAC-3'
Protein context (NP_940908.3, residues 471-491): ELALLDQTML[Thr481Met]ETNAAIENLR

ClinVar aggregate classification (germline): Benign/Likely benign. Review status: criteria provided, multiple submitters, no conflicts (2 of 4 stars). 4 submissions from 4 submitters: Benign (2); Likely benign (2). Last evaluated 2026-02-02.

Conditions:
Congenital stationary night blindness 1F. Also called: Night blindness, congenital stationary (complete), 1F, autosomal recessive. Identifiers: Orphanet 215, MedGen C3554399, MONDO:0014026, OMIM 615058.

Allele frequency attached by ClinVar (database versions not stated): gnomAD exomes 0.00144; ExAC 0.00147; 1000 Genomes Project 0.00319; gnomAD 0.00334 and 0.00352; 1000 Genomes Project 30x 0.00359; TOPMed 0.00381; ESP Exome Variant Server 0.00423.
gnomAD v4.1: 1,463 of 1,614,180 alleles (0.091%); highest among the groups gnomAD compares: African/African-American, 1.2%; 6 homozygotes.

Submissions (4):

Labcorp Genetics (formerly Invitae), Labcorp
Classification: Benign. Last evaluated: 2026-02-02. Review status: criteria provided, single submitter. Criteria: Invitae Variant Classification Sherloc (09022015). Collection method: clinical testing. Allele origin: germline.

Blueprint Genetics
Classification: Likely benign. Last evaluated: 2024-11-13. Review status: criteria provided, single submitter. Criteria: ACMG Guidelines, 2015. Collection method: clinical testing. Allele origin: germline.

Illumina Laboratory Services, Illumina
Classification: Likely benign for Congenital stationary night blindness 1F. Last evaluated: 2018-01-13. Review status: criteria provided, single submitter. Criteria: ICSL Variant Classification Criteria 13 December 2019. Collection method: clinical testing. Allele origin: germline.
Comment: This variant was observed in the ICSL laboratory as part of a predisposition screen in an ostensibly healthy population. It had not been previously curated by ICSL or reported in the Human Gene Mutation Database (HGMD: prior to June 1st, 2018), and was therefore a candidate for classification through an automated scoring system. Utilizing variant allele frequency, disease prevalence and penetrance estimates, and inheritance mode, an automated score was calculated to assess if this variant is too frequent to cause the disease. Based on the score and internal cut-off values, a variant classified as likely benign is not then subjected to further curation. The score for this variant resulted in a classification of likely benign for this disease.

Eurofins Ntd Llc (ga)
Classification: Benign. Last evaluated: 2016-11-01. Review status: criteria provided, single submitter. Criteria: EGL Classification Definitions 2015. Collection method: clinical testing. Allele origin: germline. Observed: 1 variant allele, 1 heterozygote.